The following is an entry in ClinVar:

ClinVar aggregate classification (germline): Benign/Likely benign. Review status: criteria provided, multiple submitters, no conflicts (2 of 4 stars). 9 submissions from 9 submitters: Benign (1); Likely benign (6). 2 of the submissions do not count toward it. Last evaluated 2026-01-26.

Conditions:
AR-related disorder. Also called: AR-related condition.
Androgen resistance syndrome (AIS). Also called: DIHYDROTESTOSTERONE RECEPTOR DEFICIENCY; Androgen insensitivity syndrome due to coactivator deficiency; TESTICULAR FEMINIZATION SYNDROME; Androgen insensitivity, complete; DHTR DEFICIENCY; Androgen insensitivity. Identifiers: Orphanet 754, Orphanet 99429, MedGen C0039585, MONDO:0019154, OMIM 300068. Disease mechanism: loss of function.
Kennedy disease (SMAX1). Also called: KENNEDY SPINAL AND BULBAR MUSCULAR ATROPHY; SPINAL AND BULBAR MUSCULAR ATROPHY, X-LINKED 1; Spinal and Bulbar Muscular Atrophy. Identifiers: Orphanet 481, MedGen C1839259, MONDO:0010735, OMIM 313200.
Ovarian cancer. Also called: OVARIAN CANCER, SOMATIC. Identifiers: Orphanet 213500, MedGen C1140680, MONDO:0008170, OMIM 167000.

Allele frequency attached by ClinVar (database versions not stated): gnomAD 0.00112 and 0.00109; gnomAD exomes 0.00080.
gnomAD v4.1: 820 of 1,003,134 alleles (0.082%); highest among the groups gnomAD compares: East Asian, 0.45%; 2 homozygotes.

Submissions (9):

Labcorp Genetics (formerly Invitae), Labcorp
Classification: Likely benign for Kennedy disease; Androgen resistance syndrome. Last evaluated: 2026-01-26. Review status: criteria provided, single submitter. Criteria: Invitae Variant Classification Sherloc (09022015). Collection method: clinical testing. Allele origin: germline.

Laboratory of Genetics, Children's Clinical University Hospital Latvia
Classification: Likely benign. Last evaluated: 2025-02-16. Review status: criteria provided, single submitter. Criteria: ACMG Guidelines, 2015. Collection method: clinical testing. Allele origin: germline. Affected: yes.

Blueprint Genetics
Classification: Likely benign. Last evaluated: 2024-11-18. Review status: criteria provided, single submitter. Criteria: ACMG Guidelines, 2015. Collection method: clinical testing. Allele origin: germline.

Women's Health and Genetics/Laboratory Corporation of America, LabCorp
Classification: Likely benign. Last evaluated: 2023-06-14. Review status: criteria provided, single submitter. Criteria: LabCorp Variant Classification Summary - May 2015. Collection method: clinical testing. Allele origin: germline.
Comment: Variant summary: AR c.170T>A (p.Leu57Gln) results in a non-conservative amino acid change in the encoded protein sequence. Four of five in-silico tools predict a benign effect of the variant on protein function. The variant allele was found at a frequency of 0.0011 in 66034 control chromosomes (gnomAD v3.1.2, genomes dataset), including 4 hemizygotes. The variant, c.170T>A, has been reported in the literature in individuals affected with various disease phenotypes, e.g. monomelic amyotrophy, sporadic amyotrophic lateral sclerosis, and metastatic pancreatic cancer (e.g., Park_2011 (No PMID), Couthouis_2014, Goldsetin_2020). These reports therefore do not provide conclusions about association of the variant with Androgen Resistance Syndrome. Publications also reported experimental evidence evaluating an impact on protein function, and one demonstrated that the variant results in decreased transactivation activity, while a later study found no difference compared to the wild-type (Hay_2012, Tadokoro-Cuccaro_2014). The following publications have been ascertained in the context of this evaluation (PMID: 25299611, 31871297, 22403669, 25500996). Three ClinVar submitters (evaluation after 2014) have cited the variant, and all submitters classified the variant as benign (n = 1) or likely benign (n = 2). Based on the evidence outlined above, the variant was classified as likely benign.

Laboratory of Molecular Epidemiology of Birth Defects, West China Second University Hospital, Sichuan University
Classification: Benign for Ovarian cancer. Last evaluated: 2022-01-01. Review status: criteria provided, single submitter. Criteria: ACMG Guidelines, 2015. Collection method: clinical testing. Allele origin: germline. Affected: yes.

GeneDx
Classification: Likely benign. Last evaluated: 2019-06-21. Review status: criteria provided, single submitter. Criteria: GeneDx Variant Classification Process June 2021. Collection method: clinical testing. Allele origin: germline. Affected: yes.
Comment: Observed in hemizygous state in multiple unrelated healthy adult individuals tested at GeneDx; In silico analysis, which includes protein predictors and evolutionary conservation, supports that this variant does not alter protein structure/function; This variant is associated with the following publications: (PMID: 31871297, 22403669, 23674566)

Breakthrough Genomics
Classification: Likely benign. Review status: criteria provided, single submitter. Criteria: ACMG Guidelines, 2015. Collection method: not provided. Allele origin: germline. Inheritance: X-linked inheritance. Affected: yes.

PreventionGenetics, part of Exact Sciences
Classification: Likely benign for AR-related condition. Last evaluated: 2021-08-10. Review status: no assertion criteria provided. Collection method: clinical testing. Allele origin: germline. Not counted in ClinVar's aggregate classification.
Comment: This variant is classified as likely benign based on ACMG/AMP sequence variant interpretation guidelines (Richards et al. 2015 PMID: 25741868, with internal and published modifications).

Department of Pathology and Laboratory Medicine, Sinai Health System
Classification: Uncertain significance. Review status: no assertion criteria provided. Collection method: clinical testing. Allele origin: unknown. Affected: yes. Study: The Canadian Open Genetics Repository (COGR). Not counted in ClinVar's aggregate classification.
Comment: The AR p.L57Q variant was identified in the literature in 2 males out of 24 patients (22 males, 2 females) affected with monomelic amyotrophy (MA); the variant was not identified in 142 controls (Park_2011). The p.L57Q variant was also reported in 2 prostate cancer tumors and 1 of 257 primary hepatocellular carcinoma tumor tissues (Hay_2012_PMID:22403669; Tiller_1996_PMID:9816170; Yeh_2007_PMID:17230529). The variant was identified in dbSNP (ID: rs78686797) and Cosmic (FATHMM prediction: neutral; score=0.03) and LOVD 3.0 but was not identified in ClinVar. The variant was also not identified in the following control databases: the 1000 Genomes Project, the NHLBI GO Exome Sequencing Project, the Exome Aggregation Consortium (August 8th 2016), or the Genome Aggregation Database (March 6, 2019, v2.1.1). The variant occurs outside of the splicing consensus sequence and two of four in silico or computational prediction software programs (SpliceSiteFinder, MaxEntScan, NNSPLICE, GeneSplicer) predict a greater than 10% difference in splicing. However, this information is not predictive enough to assume pathogenicity. The p.Leu57 residue has limited conservation data and computational analyses (AlignGVGD, BLOSUM, MutationTaster) provide inconsistent predictions regarding the impact to the protein. However the p.L57Q variant is found within the N-terminal domain and displayed loss of AR signaling and transactivation activity in functional cell culture studies compared to wildtype (Hay_2012_PMID:22403669). In summary, based on the above information the clinical significance of this variant cannot be determined with certainty at this time. This variant is classified as a variant of uncertain significance.

Literature cited by the submitters: PubMed 31871297 (cited by Women's Health and Genetics/Laboratory Corporation of America, LabCorp); PubMed 25299611 (cited by Women's Health and Genetics/Laboratory Corporation of America, LabCorp); PubMed 22403669 (cited by Women's Health and Genetics/Laboratory Corporation of America, LabCorp); PubMed 25500996 (cited by Women's Health and Genetics/Laboratory Corporation of America, LabCorp).

NM_000044.6(AR):c.170T>A (p.Leu57Gln)

Gene: AR (androgen receptor; plus strand). Cytogenetic location: Xq12.
Variant type: single nucleotide variant.
Coding change: c.170T>A on transcript NM_000044.6 (MANE Select); coding-DNA position 170, T replaced by A.
Protein change: p.Leu57Gln; replaces leucine 57 with glutamine.
Molecular consequence: missense variant. On other transcripts: 5 prime UTR variant (1).
Genome position (GRCh38, 1-based): chrX:67,545,316, T>A. VCF-style: chrX-67545316-T-A. GRCh37 (hg19) VCF-style: chrX-66765158-T-A.
Other names: c.170T>A (NM_000044.3); c.-1614T>A (NM_001011645.3); c.170T>A, p.Leu57Gln (NM_001348061.1, NM_001348063.1, NM_001348064.1); short protein forms L57Q.
Identifiers: ClinVar variation 1049223 (VCV001049223.20), dbSNP rs78686797, ClinGen allele CA330757109.